The following is an entry in ClinVar:

ClinVar aggregate classification (germline): Uncertain significance (1 of 4 stars; one submission).

gnomAD v4.1: 1 of 1,613,818 alleles (0.000062%); highest among the groups gnomAD compares: Non-Finnish European, 0.000085%; no homozygotes.

Submission:

CeGaT Center for Human Genetics Tuebingen
Classification: Uncertain significance. Last evaluated: 2025-10-01. Review status: criteria provided, single submitter. Criteria: CeGaT Center For Human Genetics Tuebingen Variant Classification Criteria Version 2. Collection method: clinical testing. Allele origin: germline. Affected: yes. Observed: 1 variant allele.
Comment: MYO15A: PM2

NM_016239.4(MYO15A):c.5054C>T (p.Ala1685Val)

Gene: MYO15A (myosin XVA; plus strand). Cytogenetic location: 17p11.2.
Variant type: single nucleotide variant.
Coding change: c.5054C>T on transcript NM_016239.4 (MANE Select); coding-DNA position 5054, C replaced by T.
Protein change: p.Ala1685Val; replaces alanine 1685 with valine.
Molecular consequence: missense variant.
Genome position (GRCh38, 1-based): chr17:18,138,857, C>T. VCF-style: chr17-18138857-C-T. GRCh37 (hg19) VCF-style: chr17-18042171-C-T.
Other names: short protein forms A1685V.
Identifiers: ClinVar variation 4535205 (VCV004535205.6).
Genomic context (GRCh38, chr17:18,138,857, plus strand): 5'-TAAATTGCCCCCAGGCTACAGACCACACCTTCCTACAGAAGTGCCACTACCATCATGGCG[C>T]CAACCCGCTCTATTCCAAACCCAAGATGCCGCTGCCTGAGTTCACCATCAAGCACTATGC-3'
Protein context (NP_057323.3, residues 1675-1695): FLQKCHYHHG[Ala1685Val]NPLYSKPKMP